The following is an entry in ClinVar:

ClinVar aggregate classification (germline): Uncertain significance (1 of 4 stars; one submission).

Conditions:
NYNRIN-related disorder. Also called: NYNRIN-related condition.

gnomAD v4.1: 14 of 1,613,834 alleles (0.00087%); highest among the groups gnomAD compares: Non-Finnish European, 0.001%; no homozygotes.

Submission:

PreventionGenetics, part of Exact Sciences
Classification: Uncertain significance for NYNRIN-related condition. Last evaluated: 2025-10-29. Review status: criteria provided, single submitter. Criteria: ACMG Guidelines, 2015. Collection method: clinical testing. Allele origin: germline.
Comment: The NYNRIN c.4774C>T variant is predicted to result in premature protein termination (p.Arg1592*). This variant was reported in an individual with Wilms tumor (Table 1, Murphy et al. 2023. PubMed ID: 38110397). This variant is reported in 0.0018% of alleles in individuals of European (Non-Finnish) descent in gnomAD. At the time of reporting, this variant has not been classified in ClinVar. At this time, the clinical significance of this variant is uncertain due to the absence of conclusive functional and genetic evidence.

NM_025081.3(NYNRIN):c.4774C>T (p.Arg1592Ter)

Gene: NYNRIN (NYN domain and retroviral integrase containing; plus strand). Cytogenetic location: 14q12.
Variant type: single nucleotide variant.
Coding change: c.4774C>T on transcript NM_025081.3 (MANE Select); coding-DNA position 4774, C replaced by T.
Protein change: p.Arg1592Ter; replaces arginine 1592 with a stop codon.
Molecular consequence: nonsense.
Genome position (GRCh38, 1-based): chr14:24,416,523, C>T. VCF-style: chr14-24416523-C-T. GRCh37 (hg19) VCF-style: chr14-24885729-C-T.
Other names: short protein forms R1592*.
Identifiers: ClinVar variation 4977492 (VCV004977492.1).